The following is an entry in ClinVar:

NM_007194.4(CHEK2):c.1375+1delinsTTTCA

Gene: CHEK2 (checkpoint kinase 2; minus strand). Cytogenetic location: 22q12.1.
Variant type: Indel.
Coding change: c.1375+1delinsTTTCA on transcript NM_007194.4 (MANE Select); the canonical splice donor site of the intron after coding-DNA position 1375, G replaced by TTTCA.
Molecular consequence: splice donor variant.
Genome position (GRCh38, 1-based): chr22:28,695,126, C replaced by TGAAA on the plus strand (G replaced by TTTCA on the coding strand, the reverse complement: CHEK2 is on the minus strand). VCF-style: chr22-28695126-C-TGAAA. GRCh37 (hg19) VCF-style: chr22-29091114-C-TGAAA.
Other names: c.712+1delinsTTTCA (NM_001437942.1, NM_001257387.3); c.1174+1delinsTTTCA (NM_001349956.3); c.1288+1delinsTTTCA (NM_145862.3); c.1381+1delinsTTTCA (NM_001438295.1); c.1468+1delinsTTTCA (NM_001438293.1); c.1417+1delinsTTTCA (NM_001438294.1); c.1504+1delinsTTTCA (NM_001005735.3).
Identifiers: ClinVar variation 3148662 (VCV003148662.1), dbSNP rs2517794670, ClinGen allele CA2825002871.

ClinVar aggregate classification (germline): Likely pathogenic (1 of 4 stars; one submission).

Conditions:
Familial cancer of breast. Also called: BREAST CANCER, FAMILIAL; Hereditary breast cancer; hereditary breast carcinoma. Identifiers: Orphanet 227535, MedGen C0346153, MONDO:0016419, OMIM 114480. Disease mechanism: loss of function.

Submission:

Myriad Genetics, Inc.
Classification: Likely pathogenic for Familial cancer of breast. Last evaluated: 2023-12-28. Review status: criteria provided, single submitter. Criteria: Myriad Autosomal Dominant, Autosomal Recessive and X-Linked Classification Criteria (2023). Collection method: clinical testing. Allele origin: unknown.
Comment: This variant is considered likely pathogenic. This variant occurs within a consensus splice junction and is predicted to result in abnormal mRNA splicing of either an out-of-frame exon or an in-frame exon necessary for protein stability and/or normal function.